The following is an entry in ClinVar:

NM_004813.4(PEX16):c.823del (p.Arg275fs)

Gene: PEX16 (peroxisomal biogenesis factor 16; minus strand). Cytogenetic location: 11p11.2.
Variant type: Deletion.
Coding change: c.823del on transcript NM_004813.4 (MANE Select); coding-DNA position 823, one base deleted (C; older notation c.823delC).
Protein change: p.Arg275fs; shifts the reading frame from arginine 275.
Molecular consequence: frameshift variant.
Genome position (GRCh38, 1-based): chr11:45,913,883, G deleted on the plus strand (C on the coding strand, the reverse complement: PEX16 is on the minus strand). VCF-style (leftmost placement, unchanged base first): chr11-45913882-CG-C. GRCh37 (hg19) VCF-style: chr11-45935433-CG-C.
Other names: c.823del, p.Arg275fs (NM_057174.3); short protein forms R275fs.
Identifiers: ClinVar variation 4723131 (VCV004723131.1).

ClinVar aggregate classification (germline): Pathogenic (1 of 4 stars; one submission).

Conditions:
Peroxisome biogenesis disorder. Identifiers: Orphanet 79189, MedGen C1832200, MONDO:0019234. Disease mechanism: loss of function.

Submission:

Labcorp Genetics (formerly Invitae), Labcorp
Classification: Pathogenic for Peroxisome biogenesis disorder. Last evaluated: 2025-07-18. Review status: criteria provided, single submitter. Criteria: Invitae Variant Classification Sherloc (09022015). Collection method: clinical testing. Allele origin: germline.
Comment: This sequence change is expected to alter the c-terminus of the PEX16 protein (p.Arg275Glyfs*82). While this is not anticipated to result in nonsense mediated decay, it is expected to disrupt the last 62 amino acid(s) of the PEX16 protein and extend the protein by 19 additional amino acid residues. This variant is not present in population databases (gnomAD no frequency). This variant has not been reported in the literature in individuals affected with PEX16-related conditions. This variant disrupts a region of the PEX16 protein in which other variant(s) (p.Arg287Cys) have been determined to be pathogenic (PMID: 30078639). This suggests that this is a clinically significant region of the protein, and that variants that disrupt it are likely to be disease-causing. For these reasons, this variant has been classified as Pathogenic.

Literature cited by the submitters: PubMed 30078639.